The following is an entry in ClinVar:

ClinVar aggregate classification (germline): Uncertain significance (1 of 4 stars; one submission).

Conditions:
Focal segmental glomerulosclerosis 7 (FSGS7). Identifiers: Orphanet 656, MedGen C4014925, MONDO:0014451, OMIM 616002.
Renal coloboma syndrome (PAPRS). Also called: COLOBOMA OF OPTIC NERVE WITH RENAL DISEASE; OPTIC COLOBOMA, VESICOURETERAL REFLUX, AND RENAL ANOMALIES; OPTIC NERVE COLOBOMA WITH RENAL DISEASE; PAPILLORENAL SYNDROME; RENAL-COLOBOMA SYNDROME WITH MACULAR ABNORMALITIES; PAPILLORENAL SYNDROME WITH MILD OCULAR ABNORMALITIES. Identifiers: Orphanet 1475, MedGen C1852759, MONDO:0007352, OMIM 120330.

Submission:

Labcorp Genetics (formerly Invitae), Labcorp
Classification: Uncertain significance for Renal coloboma syndrome; Focal segmental glomerulosclerosis 7. Last evaluated: 2025-02-04. Review status: criteria provided, single submitter. Criteria: Invitae Variant Classification Sherloc (09022015). Collection method: clinical testing. Allele origin: germline.
Comment: This sequence change replaces proline, which is neutral and non-polar, with leucine, which is neutral and non-polar, at codon 146 of the PAX2 protein (p.Pro146Leu). This variant is not present in population databases (gnomAD no frequency). This variant has not been reported in the literature in individuals affected with PAX2-related conditions. Experimental studies and prediction algorithms are not available or were not evaluated, and the functional significance of this variant is currently unknown. In summary, the available evidence is currently insufficient to determine the role of this variant in disease. Therefore, it has been classified as a Variant of Uncertain Significance.

NM_000278.5(PAX2):c.437C>T (p.Pro146Leu)

Gene: PAX2 (paired box 2; plus strand). Cytogenetic location: 10q24.31.
Variant type: single nucleotide variant.
Coding change: c.437C>T on transcript NM_000278.5 (MANE Select); coding-DNA position 437, C replaced by T.
Protein change: p.Pro146Leu; replaces proline 146 with leucine.
Molecular consequence: missense variant.
Genome position (GRCh38, 1-based): chr10:100,779,524, C>T. VCF-style: chr10-100779524-C-T. GRCh37 (hg19) VCF-style: chr10-102539281-C-T.
Other names: c.530C>T, p.Pro177Leu (NM_001304569.2); c.437C>T, p.Pro146Leu (NM_003987.5, NM_003988.5, NM_003989.5 and 1 more transcripts); short protein forms P146L, P177L.
Identifiers: ClinVar variation 4792895 (VCV004792895.1).
Genomic context (GRCh38, chr10:100,779,524, plus strand): 5'-TTTGATGTGTGATGCTGTTGTGACGCTGTTGCAGAATCATCCGGACCAAAGTTCAGCAGC[C>T]TTTCCACCCAACGCCGGATGGGGCTGGGACAGGAGTGACCGCCCCTGGCCACACCATTGG-3'
Protein context (NP_000269.3, residues 136-156): NRIIRTKVQQ[Pro146Leu]FHPTPDGAGT